The following is an entry in ClinVar:

ClinVar aggregate classification (germline): Uncertain significance (1 of 4 stars; one submission).

Conditions:
Combined immunodeficiency due to STIM1 deficiency. Also called: STIM1 DEFICIENCY; IMMUNODEFICIENCY 10. Identifiers: Orphanet 169090, Orphanet 317430, MedGen C2748557, MONDO:0013008, OMIM 612783.
Stormorken syndrome (STRMK). Also called: THROMBOCYTOPATHY, ASPLENIA, AND MIOSIS. Identifiers: Orphanet 3204, MedGen C1861451, MONDO:0008497, OMIM 185070.
Myopathy with tubular aggregates (TAM). Also called: Tubular Aggregate Myopathy. Identifiers: Orphanet 2593, MedGen C0410207, MONDO:0008051.

Allele frequency attached by ClinVar (database versions not stated): gnomAD exomes below 0.00001.
gnomAD v4.1: 2 of 1,614,156 alleles (0.00012%); highest among the groups gnomAD compares: South Asian, 0.0022%; no homozygotes.

Submission:

Labcorp Genetics (formerly Invitae), Labcorp
Classification: Uncertain significance for Myopathy with tubular aggregates; Combined immunodeficiency due to STIM1 deficiency; Stormorken syndrome. Last evaluated: 2024-10-18. Review status: criteria provided, single submitter. Criteria: Invitae Variant Classification Sherloc (09022015). Collection method: clinical testing. Allele origin: germline.
Comment: This sequence change replaces alanine, which is neutral and non-polar, with threonine, which is neutral and polar, at codon 582 of the STIM1 protein (p.Ala582Thr). This variant is not present in population databases (gnomAD no frequency). This variant has not been reported in the literature in individuals affected with STIM1-related conditions. ClinVar contains an entry for this variant (Variation ID: 1383853). Invitae Evidence Modeling of protein sequence and biophysical properties (such as structural, functional, and spatial information, amino acid conservation, physicochemical variation, residue mobility, and thermodynamic stability) indicates that this missense variant is not expected to disrupt STIM1 protein function with a negative predictive value of 95%. In summary, the available evidence is currently insufficient to determine the role of this variant in disease. Therefore, it has been classified as a Variant of Uncertain Significance.

NM_001382567.1(STIM1):c.1837G>A (p.Ala613Thr)

Genes: STIM1 (stromal interaction molecule 1; plus strand), LOC124418421 (Sharpr-MPRA regulatory region 9588; plus strand). Cytogenetic location: 11p15.4.
Variant type: single nucleotide variant.
Coding change: c.1837G>A on transcript NM_001382567.1 (MANE Select); coding-DNA position 1837, G replaced by A.
Protein change: p.Ala613Thr; replaces alanine 613 with threonine.
Molecular consequence: missense variant. On other transcripts: 3 prime UTR variant (4), non-coding transcript variant (3).
Genome position (GRCh38, 1-based): chr11:4,091,484, G>A. VCF-style: chr11-4091484-G-A. GRCh37 (hg19) VCF-style: chr11-4112714-G-A.
Other names: c.2062G>A, p.Ala688Thr (NM_001277961.3); c.*158G>A (NM_001277962.2, NM_001382578.1, NM_001382579.1 and 1 more transcripts); c.1840G>A, p.Ala614Thr (NM_001382566.1); c.1765G>A, p.Ala589Thr (NM_001382568.1); c.1609G>A, p.Ala537Thr (NM_001382569.1); c.1516G>A, p.Ala506Thr (NM_001382570.1); c.1264G>A, p.Ala422Thr (NM_001382571.1); c.1522G>A, p.Ala508Thr (NM_001382575.1, NM_001382576.1, NM_001382577.1); and 2 more; short protein forms A582T, A589T, A419T, A508T, A537T, A614T, A506T, A422T.
Identifiers: ClinVar variation 1383853 (VCV001383853.6), dbSNP rs2133264567, ClinGen allele CA379197198.